The following is an entry in ClinVar:

NM_001256012.3(MYH10):c.965A>G (p.Asn322Ser)

Gene: MYH10 (myosin heavy chain 10; minus strand). Cytogenetic location: 17p13.1.
Variant type: single nucleotide variant.
Coding change: c.965A>G on transcript NM_001256012.3 (MANE Select); coding-DNA position 965, A replaced by G.
Protein change: p.Asn322Ser; replaces asparagine 322 with serine.
Molecular consequence: missense variant.
Genome position (GRCh38, 1-based): chr17:8,548,742, T>C on the plus strand (A>G on the coding strand, the complement: MYH10 is on the minus strand). VCF-style: chr17-8548742-T-C. GRCh37 (hg19) VCF-style: chr17-8452060-T-C.
Other names: NM_005964.5:c.935A>G; c.962A>G, p.Asn321Ser (NM_001256095.2); c.965A>G, p.Asn322Ser (NM_001375266.1); c.935A>G, p.Asn312Ser (NM_005964.5); c.935A>G (NM_005964.1); short protein forms N312S, N321S, N322S.
Identifiers: ClinVar variation 3024412 (VCV003024412.2), dbSNP rs2544480105, ClinGen allele CA398045883.
Genomic context (GRCh38, chr17:8,548,742, plus strand): 5'-GCTTCCATGGTCTCCTGGAAATTATCTTTGTCTTGCTGTCCCGGAATAGGAATATAGCCA[T>C]TGGAGAGAAACCTGTAGTTATTAAATCCTTCAAGAAGCAAATCAGCTAAAAGGAAATATA-3'
Protein context (NP_001242941.1, residues 312-332): EGFNNYRFLS[Asn322Ser]GYIPIPGQQD

ClinVar aggregate classification (germline): Uncertain significance. Review status: criteria provided, multiple submitters, no conflicts (2 of 4 stars). 2 submissions from 2 submitters: Uncertain significance (2). Last evaluated 2025-08-28.

Conditions:
Congenital fibrosis of extraocular muscles. Also called: Congenital Fibrosis of the Extraocular Muscles. Identifiers: Orphanet 45358, MedGen C1302995, MONDO:0007614, HP:0001491.
Inborn genetic diseases. Identifiers: MedGen C0950123, MeSH D030342.

gnomAD v4.1: 7 of 1,613,576 alleles (0.00043%); highest among the groups gnomAD compares: Middle Eastern, 0.017%; no homozygotes.

Submissions (2):

Ambry Genetics
Classification: Uncertain significance for Inborn genetic diseases. Last evaluated: 2025-08-28. Review status: criteria provided, single submitter. Criteria: Ambry Variant Classification Scheme 2023. Collection method: clinical testing. Allele origin: germline.

Broad Center for Mendelian Genomics, Broad Institute of MIT and Harvard
Classification: Uncertain significance for Congenital fibrosis of extraocular muscles. Last evaluated: 2024-02-26. Review status: criteria provided, single submitter. Criteria: ACMG Guidelines, 2015. Collection method: curation. Allele origin: germline. Inheritance: Autosomal dominant inheritance.
Comment: While this gene is still lacking sufficient evidence to establish a gene-disease association, we believe this is a possible novel gene candidate for CFEOM. Given the limited information about this gene-disease relationship, the significance of the p.Asn322Ser variant is uncertain. If you have any additional information about functional evidence or other individuals with this phenotype that also have variants in MYH10 we encourage you to reach out to the Engle Lab.